The following is an entry in ClinVar:

ClinVar aggregate classification (germline): Uncertain significance (1 of 4 stars; one submission).

Conditions:
Dilated cardiomyopathy 1II (CMD1II). Identifiers: Orphanet 154, MedGen C3554649, MONDO:0014073, OMIM 615184.

Submission:

Labcorp Genetics (formerly Invitae), Labcorp
Classification: Uncertain significance for Dilated cardiomyopathy 1II. Last evaluated: 2025-08-03. Review status: criteria provided, single submitter. Criteria: Invitae Variant Classification Sherloc (09022015). Collection method: clinical testing. Allele origin: germline.
Comment: This sequence change replaces serine, which is neutral and polar, with proline, which is neutral and non-polar, at codon 139 of the CRYAB protein (p.Ser139Pro). This variant is not present in population databases (gnomAD no frequency). This variant has not been reported in the literature in individuals affected with CRYAB-related conditions. An algorithm developed to predict the effect of missense changes on protein structure and function (PolyPhen-2) suggests that this variant is likely to be tolerated. In summary, the available evidence is currently insufficient to determine the role of this variant in disease. Therefore, it has been classified as a Variant of Uncertain Significance.

NM_001289808.2(CRYAB):c.415T>C (p.Ser139Pro)

Gene: CRYAB (crystallin alpha B; minus strand). Cytogenetic location: 11q23.1.
Variant type: single nucleotide variant.
Coding change: c.415T>C on transcript NM_001289808.2 (MANE Select); coding-DNA position 415, T replaced by C.
Protein change: p.Ser139Pro; replaces serine 139 with proline.
Molecular consequence: missense variant.
Genome position (GRCh38, 1-based): chr11:111,908,877, A>G on the plus strand (T>C on the coding strand, the complement: CRYAB is on the minus strand). VCF-style: chr11-111908877-A-G. GRCh37 (hg19) VCF-style: chr11-111779601-A-G.
Other names: c.415T>C, p.Ser139Pro (NM_001289807.1, NM_001368245.1, NM_001885.3); c.214T>C, p.Ser72Pro (NM_001330379.1, NM_001368246.1); short protein forms S72P, S139P.
Identifiers: ClinVar variation 4724686 (VCV004724686.1).